The following is an entry in ClinVar:

ClinVar aggregate classification (germline): Uncertain significance (1 of 4 stars; one submission).

gnomAD v4.1: 1 of 1,614,166 alleles (0.000062%); highest among the groups gnomAD compares: Non-Finnish European, 0.000085%; no homozygotes.

Submission:

CeGaT Center for Human Genetics Tuebingen
Classification: Uncertain significance. Last evaluated: 2024-01-01. Review status: criteria provided, single submitter. Criteria: CeGaT Center For Human Genetics Tuebingen Variant Classification Criteria Version 2. Collection method: clinical testing. Allele origin: germline. Affected: yes. Observed: 1 variant allele.
Comment: HIVEP2: PM2, BP4

NM_006734.4(HIVEP2):c.323G>C (p.Gly108Ala)

Gene: HIVEP2 (HIVEP zinc finger 2; minus strand). Cytogenetic location: 6q24.2.
Variant type: single nucleotide variant.
Coding change: c.323G>C on transcript NM_006734.4 (MANE Select); coding-DNA position 323, G replaced by C.
Protein change: p.Gly108Ala; replaces glycine 108 with alanine.
Molecular consequence: missense variant.
Genome position (GRCh38, 1-based): chr6:142,774,416, C>G on the plus strand (G>C on the coding strand, the complement: HIVEP2 is on the minus strand). VCF-style: chr6-142774416-C-G. GRCh37 (hg19) VCF-style: chr6-143095553-C-G.
Other names: short protein forms G108A.
Identifiers: ClinVar variation 3027003 (VCV003027003.22), dbSNP rs1057079776, ClinGen allele CA149020452.